The following is an entry in ClinVar:

NM_138348.6(OTULIN):c.367G>A (p.Val123Ile)

Gene: OTULIN (OTU deubiquitinase with linear linkage specificity; plus strand). Cytogenetic location: 5p15.2.
Variant type: single nucleotide variant.
Coding change: c.367G>A on transcript NM_138348.6 (MANE Select); coding-DNA position 367, G replaced by A.
Protein change: p.Val123Ile; replaces valine 123 with isoleucine.
Molecular consequence: missense variant.
Genome position (GRCh38, 1-based): chr5:14,681,506, G>A. VCF-style: chr5-14681506-G-A. GRCh37 (hg19) VCF-style: chr5-14681615-G-A.
Other names: short protein forms V123I.
Identifiers: ClinVar variation 1394636 (VCV001394636.6), dbSNP rs2126311662, ClinGen allele CA359242894.

ClinVar aggregate classification (germline): Uncertain significance (1 of 4 stars; one submission).

Submission:

Labcorp Genetics (formerly Invitae), Labcorp
Classification: Uncertain significance. Last evaluated: 2022-07-19. Review status: criteria provided, single submitter. Criteria: Invitae Variant Classification Sherloc (09022015). Collection method: clinical testing. Allele origin: germline.
Comment: This variant has not been reported in the literature in individuals affected with OTULIN-related conditions. This variant is not present in population databases (gnomAD no frequency). This sequence change replaces valine, which is neutral and non-polar, with isoleucine, which is neutral and non-polar, at codon 123 of the OTULIN protein (p.Val123Ile). ClinVar contains an entry for this variant (Variation ID: 1394636). In summary, the available evidence is currently insufficient to determine the role of this variant in disease. Therefore, it has been classified as a Variant of Uncertain Significance. Algorithms developed to predict the effect of missense changes on protein structure and function (SIFT, PolyPhen-2, Align-GVGD) all suggest that this variant is likely to be disruptive.